The following is an entry in ClinVar:

NM_001440.4(EXTL3):c.1954G>T (p.Ala652Ser)

Gene: EXTL3 (exostosin like glycosyltransferase 3; plus strand). Cytogenetic location: 8p21.1.
Variant type: single nucleotide variant.
Coding change: c.1954G>T on transcript NM_001440.4 (MANE Select); coding-DNA position 1954, G replaced by T.
Protein change: p.Ala652Ser; replaces alanine 652 with serine.
Molecular consequence: missense variant.
Genome position (GRCh38, 1-based): chr8:28,718,013, G>T. VCF-style: chr8-28718013-G-T. GRCh37 (hg19) VCF-style: chr8-28575530-G-T.
Other names: short protein forms A652S.
Identifiers: ClinVar variation 1485407 (VCV001485407.6), dbSNP rs1278924019, ClinGen allele CA370861160.

ClinVar aggregate classification (germline): Uncertain significance (1 of 4 stars; one submission).

Allele frequency attached by ClinVar (database versions not stated): gnomAD exomes below 0.00001; gnomAD 0.00001.
gnomAD v4.1: 2 of 1,613,952 alleles (0.00012%); highest among the groups gnomAD compares: Non-Finnish European, 0.00017%; no homozygotes.

Submission:

Labcorp Genetics (formerly Invitae), Labcorp
Classification: Uncertain significance. Last evaluated: 2021-11-23. Review status: criteria provided, single submitter. Criteria: Invitae Variant Classification Sherloc (09022015). Collection method: clinical testing. Allele origin: germline.
Comment: This sequence change replaces alanine, which is neutral and non-polar, with serine, which is neutral and polar, at codon 652 of the EXTL3 protein (p.Ala652Ser). This variant is present in population databases (no rsID available, gnomAD 0.002%). This variant has not been reported in the literature in individuals affected with EXTL3-related conditions. Algorithms developed to predict the effect of missense changes on protein structure and function (SIFT, PolyPhen-2, Align-GVGD) all suggest that this variant is likely to be tolerated. In summary, the available evidence is currently insufficient to determine the role of this variant in disease. Therefore, it has been classified as a Variant of Uncertain Significance.